The following is an entry in ClinVar:

NM_000122.2(ERCC3):c.1404G>A (p.Ala468=)

Gene: ERCC3 (ERCC excision repair 3, TFIIH core complex helicase subunit; minus strand). Cytogenetic location: 2q14.3.
Variant type: single nucleotide variant.
Coding change: c.1404G>A on transcript NM_000122.2 (MANE Select); coding-DNA position 1404, G replaced by A.
Protein change: p.Ala468=; no amino-acid change (alanine 468 retained).
Molecular consequence: synonymous variant.
Genome position (GRCh38, 1-based): chr2:127,280,570, C>T on the plus strand (G>A on the coding strand, the complement: ERCC3 is on the minus strand). VCF-style: chr2-127280570-C-T. GRCh37 (hg19) VCF-style: chr2-128038146-C-T.
Other names: c.1212G>A, p.Ala404= (NM_001303416.2, NM_001303418.2).
Identifiers: ClinVar variation 4872309 (VCV004872309.2).

ClinVar aggregate classification (germline): Likely benign (1 of 4 stars; one submission).

gnomAD v4.1: 5 of 1,614,198 alleles (0.00031%); highest among the groups gnomAD compares: Non-Finnish European, 0.00042%; no homozygotes.

Submission:

CeGaT Center for Human Genetics Tuebingen
Classification: Likely benign. Last evaluated: 2026-04-01. Review status: criteria provided, single submitter. Criteria: CeGaT Center For Human Genetics Tuebingen Variant Classification Criteria Version 2. Collection method: clinical testing. Allele origin: germline. Affected: yes. Observed: 1 variant allele.
Comment: ERCC3: BP4, BP7